The following is an entry in ClinVar:

ClinVar aggregate classification (germline): Benign. Review status: criteria provided, multiple submitters, no conflicts (2 of 4 stars). 3 submissions from 3 submitters: Benign (3). Last evaluated 2018-06-14.

Allele frequency attached by ClinVar (database versions not stated): gnomAD exomes 0.16023 and 0.15147; gnomAD 0.21557 and 0.21932; 1000 Genomes Project 0.22384; ExAC 0.24212; ESP Exome Variant Server 0.22039; 1000 Genomes Project 30x 0.22220; TOPMed 0.22597.
gnomAD v4.1: 250,671 of 1,583,716 alleles (16%); highest among the groups gnomAD compares: African/African-American, 41%; 23,141 homozygotes.

Submissions (3):

GeneDx
Classification: Benign. Last evaluated: 2018-06-14. Review status: criteria provided, single submitter. Criteria: GeneDx Variant Classification (06012015). Collection method: clinical testing. Allele origin: germline. Affected: yes.
Comment: This variant is considered likely benign or benign based on one or more of the following criteria: it is a conservative change, it occurs at a poorly conserved position in the protein, it is predicted to be benign by multiple in silico algorithms, and/or has population frequency not consistent with disease.

Breakthrough Genomics
Classification: Benign. Review status: criteria provided, single submitter. Criteria: ACMG Guidelines, 2015. Collection method: not provided. Allele origin: germline. Inheritance: Autosomal dominant inheritance. Affected: yes.

PreventionGenetics, part of Exact Sciences
Classification: Benign. Review status: criteria provided, single submitter. Criteria: ACMG Guidelines, 2015. Collection method: clinical testing. Allele origin: germline.

NM_000142.5(FGFR3):c.616-40T>C

Gene: FGFR3 (fibroblast growth factor receptor 3; plus strand). Cytogenetic location: 4p16.3.
Variant type: single nucleotide variant.
Coding change: c.616-40T>C on transcript NM_000142.5 (MANE Select); 40 bases into the intron before coding-DNA position 616, T replaced by C.
Molecular consequence: intron variant.
Genome position (GRCh38, 1-based): chr4:1,801,580, T>C. VCF-style: chr4-1801580-T-C. GRCh37 (hg19) VCF-style: chr4-1803307-T-C.
Other names: c.616-40T>C (NM_001163213.2, NM_001354809.2, NM_001354810.2 and 1 more transcripts).
Identifiers: ClinVar variation 255343 (VCV000255343.3), dbSNP rs2305183, ClinGen allele CA2809888.
Genomic context (GRCh38, chr4:1,801,580, plus strand): 5'-GCATTGGAGGCATCAAGGTGGGCGCGGCGGGGTGGCTCTGGGCCTGGCAGGCGCGGTGGT[T>C]GCTGCCTCCGCTCACTCACCCGCCCGCGTCCCGGTGCAGCTGCGGCATCAGCAGTGGAGC-3'